The following is an entry in ClinVar:

ClinVar aggregate classification (germline): Conflicting classifications of pathogenicity. Review status: criteria provided, conflicting classifications (1 of 4 stars). 3 submissions from 3 submitters: Uncertain significance (2); Likely benign (1). Last evaluated 2023-12-14.

Conditions:
Hereditary cancer-predisposing syndrome. Also called: Neoplastic Syndromes, Hereditary; Tumor predisposition; Hereditary Cancer Syndrome; Hereditary neoplastic syndrome. Identifiers: Orphanet 140162, MedGen C0027672, MeSH D009386, MONDO:0015356.
Hereditary breast ovarian cancer syndrome. Also called: Hereditary breast and ovarian cancer syndrome; Hereditary breast and/or ovarian cancer syndrome; Hereditary breast and ovarian cancer syndrome (HBOC); Breast and ovarian cancer; BRCA1- and BRCA2-Associated Hereditary Breast and Ovarian Cancer; Hereditary breast and ovarian cancer. Identifiers: Orphanet 145, MedGen C0677776, MeSH D061325, MONDO:0003582. Disease mechanism: loss of function.

Submissions (3):

Ambry Genetics
Classification: Uncertain significance for Hereditary cancer-predisposing syndrome. Last evaluated: 2023-12-14. Review status: criteria provided, single submitter. Criteria: Ambry Variant Classification Scheme 2023. Collection method: clinical testing. Allele origin: germline.
Comment: The p.K972N variant (also known as c.2916A>C), located in coding exon 10 of the BRCA2 gene, results from an A to C substitution at nucleotide position 2916. The lysine at codon 972 is replaced by asparagine, an amino acid with similar properties. This amino acid position is conserved. In addition, this alteration is predicted to be tolerated by in silico analysis. Since supporting evidence is limited at this time, the clinical significance of this alteration remains unclear.

University of Washington Department of Laboratory Medicine, University of Washington
Classification: Likely benign for Hereditary cancer-predisposing syndrome. Last evaluated: 2023-03-23. Review status: criteria provided, single submitter. Criteria: Dines et al. (Genet Med. 2020). Collection method: curation. Allele origin: germline.
Comment: Missense variant in a coldspot region where missense variants are very unlikely to be pathogenic (PMID:31911673).

BRCA2 exon 11 coldspot. Reclassification based on statistical prior probability.

Labcorp Genetics (formerly Invitae), Labcorp
Classification: Uncertain significance for Hereditary breast ovarian cancer syndrome. Last evaluated: 2020-09-02. Review status: criteria provided, single submitter. Criteria: Invitae Variant Classification Sherloc (09022015). Collection method: clinical testing. Allele origin: germline.
Comment: Advanced modeling of protein sequence and biophysical properties (such as structural, functional, and spatial information, amino acid conservation, physicochemical variation, residue mobility, and thermodynamic stability) performed at Invitae indicates that this missense variant is not expected to disrupt BRCA2 protein function. This variant has not been reported in the literature in individuals with BRCA2-related conditions. This variant is not present in population databases (ExAC no frequency). This sequence change replaces lysine with asparagine at codon 972 of the BRCA2 protein (p.Lys972Asn). The lysine residue is weakly conserved and there is a moderate physicochemical difference between lysine and asparagine. In summary, the available evidence is currently insufficient to determine the role of this variant in disease. Therefore, it has been classified as a Variant of Uncertain Significance.

NM_000059.4(BRCA2):c.2916A>C (p.Lys972Asn)

Gene: BRCA2 (BRCA2 DNA repair associated; plus strand). Cytogenetic location: 13q13.1.
Variant type: single nucleotide variant.
Coding change: c.2916A>C on transcript NM_000059.4 (MANE Select); coding-DNA position 2916, A replaced by C.
Protein change: p.Lys972Asn; replaces lysine 972 with asparagine.
Molecular consequence: missense variant.
Genome position (GRCh38, 1-based): chr13:32,337,271, A>C. VCF-style: chr13-32337271-A-C. GRCh37 (hg19) VCF-style: chr13-32911408-A-C.
Other names: c.2916A>C (NM_000059.3); short protein forms K972N.
Identifiers: ClinVar variation 1000548 (VCV001000548.11), dbSNP rs2072467749, ClinGen allele CA387774201.